The following is an entry in ClinVar:

NM_016203.4(PRKAG2):c.597C>G (p.Asp199Glu)

Gene: PRKAG2 (protein kinase AMP-activated non-catalytic subunit gamma 2; minus strand). Cytogenetic location: 7q36.1.
Variant type: single nucleotide variant.
Coding change: c.597C>G on transcript NM_016203.4 (MANE Select); coding-DNA position 597, C replaced by G.
Protein change: p.Asp199Glu; replaces aspartic acid 199 with glutamic acid.
Molecular consequence: missense variant. On other transcripts: intron variant (5).
Genome position (GRCh38, 1-based): chr7:151,675,507, G>C on the plus strand (C>G on the coding strand, the complement: PRKAG2 is on the minus strand). VCF-style: chr7-151675507-G-C. GRCh37 (hg19) VCF-style: chr7-151372593-G-C.
Other names: c.465C>G, p.Asp155Glu (NM_001040633.2, NM_001407024.1, NM_001407026.1 and 1 more transcripts); c.225C>G, p.Asp75Glu (NM_001304527.2, NM_001363698.2, NM_001407028.1 and 1 more transcripts); c.597C>G, p.Asp199Glu (NM_001407021.1, NM_001407022.1, NM_001407023.1); c.279C>G, p.Asp93Glu (NM_001407032.1); c.467-80056C>G (NM_001407031.1); c.467-80053C>G (NM_001407030.1); c.361-43369C>G (NM_001407033.1); c.94+60393C>G (NM_001407037.1); and 1 more; short protein forms D155E, D199E, D75E, D93E.
Identifiers: ClinVar variation 3619714 (VCV003619714.2).

ClinVar aggregate classification (germline): Uncertain significance (1 of 4 stars; one submission).

Conditions:
Lethal congenital glycogen storage disease of heart. Also called: GLYCOGEN STORAGE DISEASE OF HEART; PHOSPHORYLASE KINASE DEFICIENCY OF HEART. Identifiers: Orphanet 439854, MedGen C1849813, MONDO:0009867, OMIM 261740.

Submission:

Labcorp Genetics (formerly Invitae), Labcorp
Classification: Uncertain significance for Lethal congenital glycogen storage disease of heart. Last evaluated: 2025-04-20. Review status: criteria provided, single submitter. Criteria: Invitae Variant Classification Sherloc (09022015). Collection method: clinical testing. Allele origin: germline.
Comment: This sequence change replaces aspartic acid, which is acidic and polar, with glutamic acid, which is acidic and polar, at codon 199 of the PRKAG2 protein (p.Asp199Glu). This variant is not present in population databases (gnomAD no frequency). This variant has not been reported in the literature in individuals affected with PRKAG2-related conditions. ClinVar contains an entry for this variant (Variation ID: 3619714). Invitae Evidence Modeling of protein sequence and biophysical properties (such as structural, functional, and spatial information, amino acid conservation, physicochemical variation, residue mobility, and thermodynamic stability) indicates that this missense variant is not expected to disrupt PRKAG2 protein function with a negative predictive value of 95%. In summary, the available evidence is currently insufficient to determine the role of this variant in disease. Therefore, it has been classified as a Variant of Uncertain Significance.